The following is an entry in ClinVar:

ClinVar aggregate classification (germline): Likely benign (1 of 4 stars; one submission).

Submission:

GeneDx
Classification: Likely benign. Last evaluated: 2018-04-04. Review status: criteria provided, single submitter. Criteria: GeneDx Variant Classification (06012015). Collection method: clinical testing. Allele origin: germline. Affected: yes.
Comment: This variant is considered likely benign or benign based on one or more of the following criteria: it is a conservative change, it occurs at a poorly conserved position in the protein, it is predicted to be benign by multiple in silico algorithms, and/or has population frequency not consistent with disease.

NM_001018005.2(TPM1):c.563+243C>T

Gene: TPM1 (tropomyosin 1; plus strand). Cytogenetic location: 15q22.2.
Variant type: single nucleotide variant.
Coding change: c.563+243C>T on transcript NM_001018005.2 (MANE Select); 243 bases into the intron after coding-DNA position 563, C replaced by T.
Molecular consequence: intron variant.
Genome position (GRCh38, 1-based): chr15:63,061,182, C>T. VCF-style: chr15-63061182-C-T. GRCh37 (hg19) VCF-style: chr15-63353381-C-T.
Other names: c.689+243C>T (NM_001365778.1); c.564-16C>T (NM_001018020.2, NM_001018006.2, NM_000366.6); c.563+243C>T (NM_001018007.2, NM_001365776.1, NM_001018004.2 and 3 more transcripts); c.456-16C>T (NM_001330351.2, NM_001330344.2, NM_001365781.2); c.455+243C>T (NM_001018008.2, NM_001301289.2, NM_001365782.1 and 2 more transcripts).
Identifiers: ClinVar variation 681484 (VCV000681484.1), dbSNP rs1596379300, ClinGen allele CA915946019.